The following is an entry in ClinVar:

ClinVar aggregate classification (germline): Uncertain significance (1 of 4 stars; one submission).

Conditions:
Multiple endocrine neoplasia, type 1 (MEN1). Also called: MEN I; WERMER SYNDROME; Endocrine adenomatosis multiple; MEN 1; MEA I. Identifiers: Orphanet 652, MedGen C0025267, MeSH D018761, MONDO:0007540, OMIM 131100.

Allele frequency attached by ClinVar (database versions not stated): gnomAD 0.00001.

Submission:

Labcorp Genetics (formerly Invitae), Labcorp
Classification: Uncertain significance for Multiple endocrine neoplasia, type 1. Last evaluated: 2025-09-15. Review status: criteria provided, single submitter. Criteria: Invitae Variant Classification Sherloc (09022015). Collection method: clinical testing. Allele origin: germline.
Comment: This sequence change replaces arginine, which is basic and polar, with glutamine, which is neutral and polar, at codon 108 of the MEN1 protein (p.Arg108Gln). This variant is not present in population databases (gnomAD no frequency). This variant has not been reported in the literature in individuals affected with MEN1-related conditions. ClinVar contains an entry for this variant (Variation ID: 944128). Invitae Evidence Modeling of protein sequence and biophysical properties (such as structural, functional, and spatial information, amino acid conservation, physicochemical variation, residue mobility, and thermodynamic stability) has been performed for this missense variant. However, the output from this modeling did not meet the statistical confidence thresholds required to predict the impact of this variant on MEN1 protein function. In summary, the available evidence is currently insufficient to determine the role of this variant in disease. Therefore, it has been classified as a Variant of Uncertain Significance.

NM_001370259.2(MEN1):c.323G>A (p.Arg108Gln)

Gene: MEN1 (menin 1; minus strand). Cytogenetic location: 11q13.1.
Variant type: single nucleotide variant.
Coding change: c.323G>A on transcript NM_001370259.2 (MANE Select); coding-DNA position 323, G replaced by A.
Protein change: p.Arg108Gln; replaces arginine 108 with glutamine.
Molecular consequence: missense variant.
Genome position (GRCh38, 1-based): chr11:64,809,787, C>T on the plus strand (G>A on the coding strand, the complement: MEN1 is on the minus strand). VCF-style: chr11-64809787-C-T. GRCh37 (hg19) VCF-style: chr11-64577259-C-T.
Other names: c.323G>A, p.Arg108Gln (NM_000244.4, NM_001370251.2, NM_001370260.2 and 9 more transcripts); short protein forms R108Q.
Identifiers: ClinVar variation 944128 (VCV000944128.9), dbSNP rs1565651551, ClinGen allele CA381187409.